The following is an entry in ClinVar:

NM_001844.5(COL2A1):c.342+1G>A

Gene: COL2A1 (collagen type II alpha 1 chain; minus strand). Cytogenetic location: 12q13.11.
Variant type: single nucleotide variant.
Coding change: c.342+1G>A on transcript NM_001844.5 (MANE Select); the canonical splice donor site of the intron after coding-DNA position 342, G replaced by A.
Molecular consequence: splice donor variant.
Genome position (GRCh38, 1-based): chr12:47,998,168, C>T on the plus strand (G>A on the coding strand, the complement: COL2A1 is on the minus strand). VCF-style: chr12-47998168-C-T. GRCh37 (hg19) VCF-style: chr12-48391951-C-T.
Other names: c.135+1G>A (NM_033150.3).
Identifiers: ClinVar variation 1458173 (VCV001458173.7), dbSNP rs2136629179, ClinGen allele CA384525278.

ClinVar aggregate classification (germline): Pathogenic/Likely pathogenic. Review status: criteria provided, multiple submitters, no conflicts (2 of 4 stars). 2 submissions from 2 submitters: Pathogenic (1); Likely pathogenic (1). Last evaluated 2026-01-11.

Conditions:
COL2A1-related disorder. Also called: COL2A1-related condition; COL2A1-related disorders.

Submissions (2):

Labcorp Genetics (formerly Invitae), Labcorp
Classification: Pathogenic. Last evaluated: 2026-01-11. Review status: criteria provided, single submitter. Criteria: Invitae Variant Classification Sherloc (09022015). Collection method: clinical testing. Allele origin: germline.
Comment: This sequence change affects a donor splice site in intron 4 of the COL2A1 gene. It is expected to disrupt RNA splicing. Variants that disrupt the donor or acceptor splice site typically lead to a loss of protein function (PMID: 16199547), and loss-of-function variants in COL2A1 are known to be pathogenic (PMID: 20179744). This variant is not present in population databases (gnomAD no frequency). Disruption of this splice site has been observed in individuals with Stickler syndrome (PMID: 20179744; internal data). ClinVar contains an entry for this variant (Variation ID: 1458173). Algorithms developed to predict the effect of sequence changes on RNA splicing suggest that this variant may disrupt the consensus splice site. For these reasons, this variant has been classified as Pathogenic.

Blueprint Genetics
Classification: Likely pathogenic for COL2A1-related disorders. Last evaluated: 2019-12-30. Review status: criteria provided, single submitter. Criteria: ACMG Guidelines, 2015. Collection method: clinical testing. Allele origin: germline. Affected: yes. Observed: 1 variant allele.

Literature cited by the submitters: PubMed 16199547 (cited by Labcorp Genetics (formerly Invitae), Labcorp); PubMed 20179744 (cited by Labcorp Genetics (formerly Invitae), Labcorp).